The following is an entry in ClinVar:

ClinVar aggregate classification (germline): Pathogenic/Likely pathogenic. Review status: criteria provided, multiple submitters, no conflicts (2 of 4 stars). 2 submissions from 2 submitters: Pathogenic (1); Likely pathogenic (1). Last evaluated 2024-10-24.

Conditions:
PRPF31-related disorder. Also called: PRPF31-related condition.

Submissions (2):

Labcorp Genetics (formerly Invitae), Labcorp
Classification: Pathogenic. Last evaluated: 2024-10-24. Review status: criteria provided, single submitter. Criteria: Invitae Variant Classification Sherloc (09022015). Collection method: clinical testing. Allele origin: germline.
Comment: This sequence change creates a premature translational stop signal (p.Gln374Leufs*95) in the PRPF31 gene. While this is not anticipated to result in nonsense mediated decay, it is expected to disrupt the last 126 amino acid(s) of the PRPF31 protein. This variant is not present in population databases (gnomAD no frequency). This variant has not been reported in the literature in individuals affected with PRPF31-related conditions. ClinVar contains an entry for this variant (Variation ID: 1409373). This variant disrupts a region of the PRPF31 protein in which other variant(s) (p.Gln409Alafs*66) have been determined to be pathogenic (PMID: 30360737). This suggests that this is a clinically significant region of the protein, and that variants that disrupt it are likely to be disease-causing. For these reasons, this variant has been classified as Pathogenic.

Blueprint Genetics
Classification: Likely pathogenic for PRPF31-related disorders. Last evaluated: 2022-02-04. Review status: criteria provided, single submitter. Criteria: ACMG Guidelines, 2015. Collection method: clinical testing. Allele origin: germline. Affected: yes. Observed: 1 variant allele.

Literature cited by the submitters: PubMed 30360737 (cited by Labcorp Genetics (formerly Invitae), Labcorp).

NM_015629.4(PRPF31):c.1121_1137del (p.Gln374fs)

Gene: PRPF31 (pre-mRNA processing factor 31; plus strand). Cytogenetic location: 19q13.42.
Variant type: Deletion.
Coding change: c.1121_1137del on transcript NM_015629.4 (MANE Select); coding-DNA positions 1121 to 1137, 17 bases deleted (AGGCCAACCGTATGAGC).
Protein change: p.Gln374fs; shifts the reading frame from glutamine 374.
Molecular consequence: frameshift variant.
Genome position (GRCh38, 1-based): chr19:54,128,352-54,128,368, AGGCCAACCGTATGAGC deleted; deleting any 17 consecutive bases within chr19:54,128,349-54,128,368 gives the same sequence; the c. name uses the placement nearest the transcript's 3' end. VCF-style (leftmost placement, unchanged base first): chr19-54128348-AAGCAGGCCAACCGTATG-A. GRCh37 (hg19) VCF-style: chr19-54631723-AAGCAGGCCAACCGTATG-A.
Other names: short protein forms Q374fs.
Identifiers: ClinVar variation 1409373 (VCV001409373.9), dbSNP rs2146445800, ClinGen allele CA2573156665.
Genomic context (GRCh38, chr19:54,128,348, plus strand): 5'-CACCCACCCGTCCCCAGGTACCGCAAGATGAAGGAGCGGCTGGGGCTGACGGAGATCCGG[AAGCAGGCCAACCGTATG>A]AGCTTCGGAGAGGTCAGACTCCCAGAGCGCCCTCCTCAACCCCACAGCCAGCCAGCCGCC-3'